The following is an entry in ClinVar:

ClinVar aggregate classification (germline): Benign/Likely benign. Review status: criteria provided, multiple submitters, no conflicts (2 of 4 stars). 2 submissions from 2 submitters: Benign (1); Likely benign (1). Last evaluated 2024-10-01.

Allele frequency attached by ClinVar (database versions not stated): ESP Exome Variant Server 0.00008; gnomAD exomes 0.00025 and 0.00070; gnomAD 0.00043 and 0.00048; ExAC 0.00052; 1000 Genomes Project 0.00060; 1000 Genomes Project 30x 0.00062; TOPMed 0.00065.
gnomAD v4.1: 450 of 1,613,902 alleles (0.028%); highest among the groups gnomAD compares: Admixed American, 0.4%; 1 homozygote.

Submissions (2):

CeGaT Center for Human Genetics Tuebingen
Classification: Likely benign. Last evaluated: 2024-10-01. Review status: criteria provided, single submitter. Criteria: CeGaT Center For Human Genetics Tuebingen Variant Classification Criteria Version 2. Collection method: clinical testing. Allele origin: germline. Affected: yes. Observed: 1 variant allele.
Comment: STAB1: BP4, BP7

Labcorp Genetics (formerly Invitae), Labcorp
Classification: Benign. Last evaluated: 2018-02-09. Review status: criteria provided, single submitter. Criteria: Invitae Variant Classification Sherloc (09022015). Collection method: clinical testing. Allele origin: germline.

NM_015136.3(STAB1):c.1686C>T (p.Leu562=)

Gene: STAB1 (stabilin 1; plus strand). Cytogenetic location: 3p21.1.
Variant type: single nucleotide variant.
Coding change: c.1686C>T on transcript NM_015136.3 (MANE Select); coding-DNA position 1686, C replaced by T.
Protein change: p.Leu562=; no amino-acid change (leucine 562 retained).
Molecular consequence: synonymous variant.
Genome position (GRCh38, 1-based): chr3:52,505,772, C>T. VCF-style: chr3-52505772-C-T. GRCh37 (hg19) VCF-style: chr3-52539788-C-T.
Identifiers: ClinVar variation 773865 (VCV000773865.17), dbSNP rs201452924, ClinGen allele CA2440635.
Genomic context (GRCh38, chr3:52,505,772, plus strand): 5'-AGTCTTTGCCCCAAGCAATGAGGCTGTGGACAGCTTGCGTGACGGCCGCCTGATCTACCT[C>T]TTCACAGCGGTAAGCTCAGCGGGAGAAGGGGCTGCGGGTATGGGGGCACCAGGACCTCCA-3'
Protein context (NP_055951.2, residues 552-572): DSLRDGRLIY[Leu562=]FTAGLSKLQE